The following is an entry in ClinVar:

ClinVar aggregate classification (germline): Uncertain significance (1 of 4 stars; one submission).

Conditions:
Hereditary cancer-predisposing syndrome. Also called: Neoplastic Syndromes, Hereditary; Tumor predisposition; Hereditary Cancer Syndrome; Hereditary neoplastic syndrome. Identifiers: Orphanet 140162, MedGen C0027672, MeSH D009386, MONDO:0015356.

Submission:

Ambry Genetics
Classification: Uncertain significance for Hereditary cancer-predisposing syndrome. Last evaluated: 2026-04-27. Review status: criteria provided, single submitter. Criteria: Ambry Variant Classification Scheme 2023. Collection method: clinical testing. Allele origin: germline.
Comment: The p.V329D variant (also known as c.986T>A), located in coding exon 7 of the CDH1 gene, results from a T to A substitution at nucleotide position 986. The valine at codon 329 is replaced by aspartic acid, an amino acid with highly dissimilar properties. This amino acid position is conserved. In addition, this alteration is predicted to be tolerated by in silico analysis. Based on the available evidence, the clinical significance of this variant remains unclear.

NM_004360.5(CDH1):c.986T>A (p.Val329Asp)

Gene: CDH1 (cadherin 1; plus strand). Cytogenetic location: 16q22.1.
Variant type: single nucleotide variant.
Coding change: c.986T>A on transcript NM_004360.5 (MANE Select); coding-DNA position 986, T replaced by A.
Protein change: p.Val329Asp; replaces valine 329 with aspartic acid.
Molecular consequence: missense variant. On other transcripts: 5 prime UTR variant (2).
Genome position (GRCh38, 1-based): chr16:68,811,837, T>A. VCF-style: chr16-68811837-T-A. GRCh37 (hg19) VCF-style: chr16-68845740-T-A.
Other names: c.986T>A, p.Val329Asp (NM_001317184.2); c.-630T>A (NM_001317185.2); c.-834T>A (NM_001317186.2); short protein forms V329D.
Identifiers: ClinVar variation 4868403 (VCV004868403.1).